The following is an entry in ClinVar:

ClinVar aggregate classification (germline): Pathogenic. Review status: criteria provided, multiple submitters, no conflicts (2 of 4 stars). 2 submissions from 2 submitters: Pathogenic (2). Last evaluated 2024-11-19.

Conditions:
Hereditary breast ovarian cancer syndrome. Also called: Hereditary breast and ovarian cancer syndrome (HBOC); BRCA1- and BRCA2-Associated Hereditary Breast and Ovarian Cancer; Breast and ovarian cancer; Hereditary breast and ovarian cancer syndrome; Hereditary breast and/or ovarian cancer syndrome; Hereditary breast and ovarian cancer. Identifiers: Orphanet 145, MedGen C0677776, MeSH D061325, MONDO:0003582. Disease mechanism: loss of function.
Breast-ovarian cancer, familial, susceptibility to, 2 (BROVCA2). Also called: BRCA2 Hereditary Breast and Ovarian Cancer. Identifiers: Orphanet 145, MedGen C2675520, MONDO:0012933, OMIM 612555. Disease mechanism: loss of function.

Submissions (2):

Myriad Genetics, Inc.
Classification: Pathogenic for Breast-ovarian cancer, familial, susceptibility to, 2. Last evaluated: 2024-11-19. Review status: criteria provided, single submitter. Criteria: Myriad Autosomal Dominant, Autosomal Recessive and X-Linked Classification Criteria (2023). Collection method: clinical testing. Allele origin: unknown.
Comment: This variant is considered pathogenic. This variant creates a frameshift predicted to result in premature protein truncation.

Labcorp Genetics (formerly Invitae), Labcorp
Classification: Pathogenic for Hereditary breast ovarian cancer syndrome. Last evaluated: 2022-06-07. Review status: criteria provided, single submitter. Criteria: Invitae Variant Classification Sherloc (09022015). Collection method: clinical testing. Allele origin: germline.
Comment: For these reasons, this variant has been classified as Pathogenic. This variant has not been reported in the literature in individuals affected with BRCA2-related conditions. This variant is not present in population databases (gnomAD no frequency). This sequence change creates a premature translational stop signal (p.Asn1473Thrfs*6) in the BRCA2 gene. It is expected to result in an absent or disrupted protein product. Loss-of-function variants in BRCA2 are known to be pathogenic (PMID: 20104584).

Literature cited by the submitters: PubMed 20104584 (cited by Labcorp Genetics (formerly Invitae), Labcorp).

NM_000059.4(BRCA2):c.4416del (p.Asn1473fs)

Gene: BRCA2 (BRCA2 DNA repair associated; plus strand). Cytogenetic location: 13q13.1.
Variant type: Deletion.
Coding change: c.4416del on transcript NM_000059.4 (MANE Select); coding-DNA position 4416, one base deleted (G; older notation c.4416delG).
Protein change: p.Asn1473fs; shifts the reading frame from asparagine 1473.
Molecular consequence: frameshift variant.
Genome position (GRCh38, 1-based): chr13:32,338,771, G deleted. VCF-style (leftmost placement, unchanged base first): chr13-32338770-AG-A. GRCh37 (hg19) VCF-style: chr13-32912907-AG-A.
Other names: c.4416delG, p.Asn1473Thrfs (NM_001406719.1, NM_001406720.1); short protein forms N1473fs.
Identifiers: ClinVar variation 2002629 (VCV002002629.5), dbSNP rs2548528324, ClinGen allele CA2580087285.